The following is an entry in ClinVar:

NM_001110556.2(FLNA):c.7708G>A (p.Ala2570Thr)

Genes: FLNA (filamin A; minus strand), LOC107988032 (Xq28 proximal FLNA-EMD recombination region; plus strand). Cytogenetic location: Xq28.
Variant type: single nucleotide variant.
Coding change: c.7708G>A on transcript NM_001110556.2 (MANE Select); coding-DNA position 7708, G replaced by A.
Protein change: p.Ala2570Thr; replaces alanine 2570 with threonine.
Molecular consequence: missense variant.
Genome position (GRCh38, 1-based): chrX:154,349,410, C>T on the plus strand (G>A on the coding strand, the complement: FLNA is on the minus strand). VCF-style: chrX-154349410-C-T. GRCh37 (hg19) VCF-style: chrX-153577778-C-T.
Other names: c.7684G>A, p.Ala2562Thr (NM_001456.4); short protein forms A2562T, A2570T.
Identifiers: ClinVar variation 3342553 (VCV003342553.1).
Genomic context (GRCh38, chrX:154,349,410, plus strand): 5'-CAGGTTGCCCACCTGCTTTGCTGCAGTCTACTGTGAAGCTGCTCTTCTGGCCTACGTAGG[C>T]CTTGCTCAGCCCCAGGCCCTTGGCCACCACCTTGCTGGCGTCAGCAGGCCCAGGACCCGG-3'
Protein context (NP_001104026.1, residues 2560-2580): VVAKGLGLSK[Ala2570Thr]YVGQKSSFTV

ClinVar aggregate classification (germline): Uncertain significance (1 of 4 stars; one submission).

gnomAD v4.1: 1 of 1,212,084 alleles (0.000083%); highest among the groups gnomAD compares: Non-Finnish European, 0.00011%; no homozygotes.

Submission:

GeneDx
Classification: Uncertain significance. Last evaluated: 2023-09-08. Review status: criteria provided, single submitter. Criteria: GeneDx Variant Classification Process June 2021. Collection method: clinical testing. Allele origin: germline. Affected: yes.
Comment: Not observed at significant frequency in large population cohorts (gnomAD); In silico analysis supports that this missense variant has a deleterious effect on protein structure/function; Has not been previously published as pathogenic or benign to our knowledge